The following is an entry in ClinVar:

NM_005458.8(GABBR2):c.582G>C (p.Gln194His)

Gene: GABBR2 (gamma-aminobutyric acid type B receptor subunit 2; minus strand). Cytogenetic location: 9q22.33.
Variant type: single nucleotide variant.
Coding change: c.582G>C on transcript NM_005458.8 (MANE Select); coding-DNA position 582, G replaced by C.
Protein change: p.Gln194His; replaces glutamine 194 with histidine.
Molecular consequence: missense variant.
Genome position (GRCh38, 1-based): chr9:98,541,921, C>G on the plus strand (G>C on the coding strand, the complement: GABBR2 is on the minus strand). VCF-style: chr9-98541921-C-G. GRCh37 (hg19) VCF-style: chr9-101304203-C-G.
Other names: c.582G>C (NM_005458.7); short protein forms Q194H.
Identifiers: ClinVar variation 2004651 (VCV002004651.5), dbSNP rs1828311185, ClinGen allele CA374350939.

ClinVar aggregate classification (germline): Uncertain significance. Review status: criteria provided, multiple submitters, no conflicts (2 of 4 stars). 2 submissions from 2 submitters: Uncertain significance (2). Last evaluated 2025-11-15.

Conditions:
Inborn genetic diseases. Identifiers: MedGen C0950123, MeSH D030342.
Epileptic encephalopathy. Identifiers: MedGen C0543888, HP:0200134.

Allele frequency attached by ClinVar (database versions not stated): gnomAD exomes below 0.00001; TOPMed 0.00001.
gnomAD v4.1: 4 of 1,614,242 alleles (0.00025%); highest among the groups gnomAD compares: African/African-American, 0.0053%; no homozygotes.

Submissions (2):

Labcorp Genetics (formerly Invitae), Labcorp
Classification: Uncertain significance for Epileptic encephalopathy. Last evaluated: 2025-11-15. Review status: criteria provided, single submitter. Criteria: Invitae Variant Classification Sherloc (09022015). Collection method: clinical testing. Allele origin: germline.
Comment: This sequence change replaces glutamine, which is neutral and polar, with histidine, which is basic and polar, at codon 194 of the GABBR2 protein (p.Gln194His). This variant is not present in population databases (gnomAD no frequency). This variant has not been reported in the literature in individuals affected with GABBR2-related conditions. ClinVar contains an entry for this variant (Variation ID: 2004651). Invitae Evidence Modeling of protein sequence and biophysical properties (such as structural, functional, and spatial information, amino acid conservation, physicochemical variation, residue mobility, and thermodynamic stability) indicates that this missense variant is not expected to disrupt GABBR2 protein function with a negative predictive value of 80%. In summary, the available evidence is currently insufficient to determine the role of this variant in disease. Therefore, it has been classified as a Variant of Uncertain Significance.

Ambry Genetics
Classification: Uncertain significance for Inborn genetic diseases. Last evaluated: 2025-11-12. Review status: criteria provided, single submitter. Criteria: Ambry Variant Classification Scheme 2023. Collection method: clinical testing. Allele origin: germline.